The following is an entry in ClinVar:

NM_004085.4(TIMM8A):c.15C>T (p.Ser5=)

Gene: TIMM8A (translocase of inner mitochondrial membrane 8A; minus strand). Cytogenetic location: Xq22.1.
Variant type: single nucleotide variant.
Coding change: c.15C>T on transcript NM_004085.4 (MANE Select); coding-DNA position 15, C replaced by T.
Protein change: p.Ser5=; no amino-acid change (serine 5 retained).
Molecular consequence: synonymous variant.
Genome position (GRCh38, 1-based): chrX:101,348,650, G>A on the plus strand (C>T on the coding strand, the complement: TIMM8A is on the minus strand). VCF-style: chrX-101348650-G-A. GRCh37 (hg19) VCF-style: chrX-100603638-G-A.
Other names: c.15C>T, p.Ser5= (NM_001145951.2).
Identifiers: ClinVar variation 509980 (VCV000509980.50), dbSNP rs369736736, ClinGen allele CA10472932.

ClinVar aggregate classification (germline): Benign/Likely benign. Review status: criteria provided, multiple submitters, no conflicts (2 of 4 stars). 6 submissions from 6 submitters: Benign (1); Likely benign (5). Last evaluated 2026-08-21.

Conditions:
TIMM8A-related condition.

Allele frequency attached by ClinVar (database versions not stated): ExAC 0.00005; gnomAD exomes 0.00008 and 0.00018; gnomAD 0.00009; TOPMed 0.00012; 1000 Genomes Project 30x 0.00021; ESP Exome Variant Server 0.00028.
gnomAD v4.1: 206 of 1,209,607 alleles (0.017%); highest among the groups gnomAD compares: Non-Finnish European, 0.022%; no homozygotes.

Submissions (6):

PreventionGenetics, part of Exact Sciences
Classification: Likely benign for TIMM8A-related condition. Last evaluated: 2026-08-21. Review status: criteria provided, single submitter. Criteria: ACMG Guidelines, 2015. Collection method: clinical testing. Allele origin: germline.
Comment: This variant is classified as likely benign based on ACMG/AMP sequence variant interpretation guidelines (Richards et al. 2015 PMID: 25741868, with internal and published modifications).

Labcorp Genetics (formerly Invitae), Labcorp
Classification: Benign. Last evaluated: 2025-10-07. Review status: criteria provided, single submitter. Criteria: Invitae Variant Classification Sherloc (09022015). Collection method: clinical testing. Allele origin: germline.

Blueprint Genetics
Classification: Likely benign. Last evaluated: 2024-04-04. Review status: criteria provided, single submitter. Criteria: ACMG Guidelines, 2015. Collection method: clinical testing. Allele origin: germline.

CeGaT Center for Human Genetics Tuebingen
Classification: Likely benign. Last evaluated: 2021-06-01. Review status: criteria provided, single submitter. Criteria: CeGaT Center For Human Genetics Tuebingen Variant Classification Criteria Version 2. Collection method: clinical testing. Allele origin: germline. Affected: yes. Observed: 1 variant allele.

GeneDx
Classification: Likely benign. Last evaluated: 2020-06-05. Review status: criteria provided, single submitter. Criteria: GeneDx Variant Classification Process June 2021. Collection method: clinical testing. Allele origin: germline. Affected: yes.

Laboratory for Molecular Medicine, Mass General Brigham Personalized Medicine
Classification: Likely benign. Last evaluated: 2012-04-30. Review status: criteria provided, single submitter. Criteria: LMM Criteria. Collection method: clinical testing. Allele origin: germline. Observed: 2 variant alleles.
Comment: Ser5Ser in Exon 01 of TIMM8A: This variant is not expected to have clinical sign ificance because it does not alter an amino acid residue, is not located within the splice consensus sequence, and has been identified in 2/5545 European Americ an chromosomes from a broad population by the NHLBI Exome Sequencing Project.